The following is an entry in ClinVar:

ClinVar aggregate classification (germline): Uncertain significance (1 of 4 stars; one submission).

Allele frequency attached by ClinVar (database versions not stated): gnomAD exomes below 0.00001 and 0.00001; gnomAD 0.00001; ExAC 0.00002; 1000 Genomes Project 0.00020; 1000 Genomes Project 30x 0.00031.
gnomAD v4.1: 3 of 1,614,216 alleles (0.00019%); highest among the groups gnomAD compares: Admixed American, 0.0017%; no homozygotes.

Submission:

Labcorp Genetics (formerly Invitae), Labcorp
Classification: Uncertain significance. Last evaluated: 2020-10-30. Review status: criteria provided, single submitter. Criteria: Invitae Variant Classification Sherloc (09022015). Collection method: clinical testing. Allele origin: germline.
Comment: This sequence change replaces isoleucine with methionine at codon 295 of the SLC7A14 protein (p.Ile295Met). The isoleucine residue is moderately conserved and there is a small physicochemical difference between isoleucine and methionine. This variant is present in population databases (rs570160914, ExAC 0.01%). This variant has not been reported in the literature in individuals with SLC7A14-related conditions. Algorithms developed to predict the effect of missense changes on protein structure and function (SIFT, PolyPhen-2, Align-GVGD) all suggest that this variant is likely to be tolerated, but these predictions have not been confirmed by published functional studies and their clinical significance is uncertain. Algorithms developed to predict the effect of sequence changes on RNA splicing suggest that this variant may create or strengthen a splice site, but this prediction has not been confirmed by published transcriptional studies. In summary, the available evidence is currently insufficient to determine the role of this variant in disease. Therefore, it has been classified as a Variant of Uncertain Significance.

NM_020949.3(SLC7A14):c.885C>G (p.Ile295Met)

Genes: SLC7A14-AS1 (SLC7A14 antisense RNA 1; plus strand), SLC7A14 (solute carrier family 7 member 14; minus strand). Cytogenetic location: 3q26.2.
Variant type: single nucleotide variant.
Coding change: c.885C>G on transcript NM_020949.3 (MANE Select); coding-DNA position 885, C replaced by G.
Protein change: p.Ile295Met; replaces isoleucine 295 with methionine.
Molecular consequence: missense variant.
Genome position (GRCh38, 1-based): chr3:170,486,243, G>C on the plus strand (C>G on the coding strand, the complement: SLC7A14 is on the minus strand). VCF-style: chr3-170486243-G-C. GRCh37 (hg19) VCF-style: chr3-170204032-G-C.
Other names: short protein forms I295M.
Identifiers: ClinVar variation 1475385 (VCV001475385.8), dbSNP rs570160914, ClinGen allele CA2701785.
Genomic context (GRCh38, chr3:170,486,243, plus strand): 5'-CACATCGTGAGGAGGGTCCCGCAAGCATCTGGTACTTACAGACACATATGCTGTCAGGCA[G>C]ATGACCAGGGAGGCAGTGATAGCATAAGGGATGGACGTGTTGGGATTCTTGGCTTCCTCT-3'
Protein context (NP_066000.2, residues 285-305): IPYAITASLV[Ile295Met]CLTAYVSVSV